The following is an entry in ClinVar:

NM_022124.6(CDH23):c.2766C>G (p.Asn922Lys)

Gene: CDH23 (cadherin related 23; plus strand). Cytogenetic location: 10q22.1.
Variant type: single nucleotide variant.
Coding change: c.2766C>G on transcript NM_022124.6 (MANE Select); coding-DNA position 2766, C replaced by G.
Protein change: p.Asn922Lys; replaces asparagine 922 with lysine.
Molecular consequence: missense variant.
Genome position (GRCh38, 1-based): chr10:71,704,943, C>G. VCF-style: chr10-71704943-C-G. GRCh37 (hg19) VCF-style: chr10-73464700-C-G.
Other names: c.2766C>G, p.Asn922Lys (NM_001171930.2, NM_001171931.2); short protein forms N922K.
Identifiers: ClinVar variation 3702831 (VCV003702831.2).
Genomic context (GRCh38, chr10:71,704,943, plus strand): 5'-CCCTCATGCTGCCCCTCCTTGCCCTCAGGTGGTGGCCATCGACCTCGATGAGGGCCTGAA[C>G]GGCCTGGTGTCCTACCGCATGCCGGTGGGCATGCCCCGCATGGACTTCCTCATCAACAGC-3'
Protein context (NP_071407.4, residues 912-932): VVAIDLDEGL[Asn922Lys]GLVSYRMPVG

ClinVar aggregate classification (germline): Uncertain significance (1 of 4 stars; one submission).

gnomAD v4.1: 17 of 1,612,794 alleles (0.0011%); highest among the groups gnomAD compares: Non-Finnish European, 0.0014%; no homozygotes.

Submission:

Labcorp Genetics (formerly Invitae), Labcorp
Classification: Uncertain significance. Last evaluated: 2024-02-06. Review status: criteria provided, single submitter. Criteria: Invitae Variant Classification Sherloc (09022015). Collection method: clinical testing. Allele origin: germline.
Comment: This sequence change replaces asparagine, which is neutral and polar, with lysine, which is basic and polar, at codon 922 of the CDH23 protein (p.Asn922Lys). This variant is not present in population databases (gnomAD no frequency). This variant has not been reported in the literature in individuals affected with CDH23-related conditions. Advanced modeling of protein sequence and biophysical properties (such as structural, functional, and spatial information, amino acid conservation, physicochemical variation, residue mobility, and thermodynamic stability) performed at Invitae indicates that this missense variant is not expected to disrupt CDH23 protein function with a negative predictive value of 95%. In summary, the available evidence is currently insufficient to determine the role of this variant in disease. Therefore, it has been classified as a Variant of Uncertain Significance.